The following is an entry in ClinVar:

ClinVar aggregate classification (germline): Likely benign (1 of 4 stars; one submission).

gnomAD v4.1: 12 of 1,613,684 alleles (0.00074%); highest among the groups gnomAD compares: South Asian, 0.0099%; no homozygotes.

Submission:

CeGaT Center for Human Genetics Tuebingen
Classification: Likely benign. Last evaluated: 2026-05-01. Review status: criteria provided, single submitter. Criteria: CeGaT Center For Human Genetics Tuebingen Variant Classification Criteria Version 2. Collection method: clinical testing. Allele origin: germline. Affected: yes. Observed: 1 variant allele.
Comment: IGF2BP2: BP4, BP7

NM_006548.6(IGF2BP2):c.1686C>T (p.Ile562=)

Gene: IGF2BP2 (insulin like growth factor 2 mRNA binding protein 2; minus strand). Cytogenetic location: 3q27.2.
Variant type: single nucleotide variant.
Coding change: c.1686C>T on transcript NM_006548.6 (MANE Select); coding-DNA position 1686, C replaced by T.
Protein change: p.Ile562=; no amino-acid change (isoleucine 562 retained).
Molecular consequence: synonymous variant. On other transcripts: non-coding transcript variant (1).
Genome position (GRCh38, 1-based): chr3:185,647,046, G>A on the plus strand (C>T on the coding strand, the complement: IGF2BP2 is on the minus strand). VCF-style: chr3-185647046-G-A. GRCh37 (hg19) VCF-style: chr3-185364834-G-A.
Other names: c.1557C>T, p.Ile519= (NM_001007225.3); c.1704C>T, p.Ile568= (NM_001291869.3); c.1515C>T, p.Ile505= (NM_001291872.3); c.1497C>T, p.Ile499= (NM_001291873.3); c.1368C>T, p.Ile456= (NM_001291874.3); c.1278C>T, p.Ile426= (NM_001291875.3).
Identifiers: ClinVar variation 4873754 (VCV004873754.2).
Genomic context (GRCh38, chr3:185,647,046, plus strand): 5'-GAGACTTGCAGGAGAGACAGGGCCCTCACAGCACAGTACCTGGCTAGCAAAGAAGTGCCC[G>A]ATAATTCTGACGATCACTTCCTCATTTTCATCTGGCGTTTGGTCACGAGGCACGATGACT-3'
Protein context (NP_006539.3, residues 552-572): DENEEVIVRI[Ile562=]GHFFASQTAQ